The following is an entry in ClinVar:

NM_000021.4(PSEN1):c.*2108G>A

Gene: PSEN1 (presenilin 1; plus strand). Cytogenetic location: 14q24.2.
Variant type: single nucleotide variant.
Coding change: c.*2108G>A on transcript NM_000021.4 (MANE Select); 2108 bases downstream of the stop codon, G replaced by A.
Molecular consequence: 3 prime UTR variant.
Genome position (GRCh38, 1-based): chr14:73,221,397, G>A. VCF-style: chr14-73221397-G-A. GRCh37 (hg19) VCF-style: chr14-73688105-G-A.
Other names: c.*2108G>A (NM_007318.3).
Identifiers: ClinVar variation 313978 (VCV000313978.5), dbSNP rs368329004, ClinGen allele CA10640762.

ClinVar aggregate classification (germline): Conflicting classifications of pathogenicity. Review status: criteria provided, conflicting classifications (1 of 4 stars). 2 submissions from 1 submitter: Uncertain significance (1); Likely benign (1). Last evaluated 2018-01-13.

Conditions:
Dilated cardiomyopathy 1U. Identifiers: Orphanet 154, MedGen C3160720, MONDO:0013371, OMIM 613694.
Alzheimer disease 3 (AD3). Also called: ALZHEIMER DISEASE, FAMILIAL, 3. Identifiers: Orphanet 1020, MedGen C1843013, MONDO:0011913, OMIM 607822.

Allele frequency attached by ClinVar (database versions not stated): 1000 Genomes Project 0.00100; 1000 Genomes Project 30x 0.00109; gnomAD 0.00187 and 0.00188; TOPMed 0.00210.

Submissions (2):

Illumina Laboratory Services, Illumina
Classification: Uncertain significance for Dilated cardiomyopathy 1U. Last evaluated: 2018-01-13. Review status: criteria provided, single submitter. Criteria: ICSL Variant Classification Criteria 13 December 2019. Collection method: clinical testing. Allele origin: germline.

Illumina Laboratory Services, Illumina
Classification: Likely benign for Alzheimer disease 3. Last evaluated: 2018-01-13. Review status: criteria provided, single submitter. Criteria: ICSL Variant Classification Criteria 13 December 2019. Collection method: clinical testing. Allele origin: germline.
Comment: This variant was observed in the ICSL laboratory as part of a predisposition screen in an ostensibly healthy population. It had not been previously curated by ICSL or reported in the Human Gene Mutation Database (HGMD: prior to June 1st, 2018), and was therefore a candidate for classification through an automated scoring system. Utilizing variant allele frequency, disease prevalence and penetrance estimates, and inheritance mode, an automated score was calculated to assess if this variant is too frequent to cause the disease. Based on the score and internal cut-off values, a variant classified as likely benign is not then subjected to further curation. The score for this variant resulted in a classification of likely benign for this disease.